The following is an entry in ClinVar:

NM_177438.3(DICER1):c.2256+15G>A

Gene: DICER1 (dicer 1, ribonuclease III; minus strand). Cytogenetic location: 14q32.13.
Variant type: single nucleotide variant.
Coding change: c.2256+15G>A on transcript NM_177438.3 (MANE Select); 15 bases into the intron after coding-DNA position 2256, G replaced by A.
Molecular consequence: intron variant. On other transcripts: synonymous variant (1).
Genome position (GRCh38, 1-based): chr14:95,111,302, C>T on the plus strand (G>A on the coding strand, the complement: DICER1 is on the minus strand). VCF-style: chr14-95111302-C-T. GRCh37 (hg19) VCF-style: chr14-95577639-C-T.
Other names: c.1866G>A, p.Ter622= (NM_001395698.1); c.2256+15G>A (NM_001291628.2, NM_030621.4, NM_001395677.1 and 12 more transcripts); c.1851+15G>A (NM_001395690.1, NM_001395687.1, NM_001395689.1 and 2 more transcripts); c.1974+15G>A (NM_001395686.1); c.1689+15G>A (NM_001395691.1); c.573+15G>A (NM_001395697.1).
Identifiers: ClinVar variation 2021025 (VCV002021025.4), dbSNP rs2542909887, ClinGen allele CA2580088945.

ClinVar aggregate classification (germline): Uncertain significance (1 of 4 stars; one submission).

Conditions:
DICER1-related tumor predisposition. Also called: DICER1 syndrome; DICER1-related pleuropulmonary blastoma cancer predisposition syndrome. Identifiers: Orphanet 284343, MedGen C3839822, MONDO:0100216.

Submission:

Labcorp Genetics (formerly Invitae), Labcorp
Classification: Uncertain significance for DICER1-related tumor predisposition. Last evaluated: 2022-09-23. Review status: criteria provided, single submitter. Criteria: Invitae Variant Classification Sherloc (09022015). Collection method: clinical testing. Allele origin: germline.
Comment: This sequence change falls in intron 14 of the DICER1 gene. It does not directly change the encoded amino acid sequence of the DICER1 protein. This variant is not present in population databases (gnomAD no frequency). This variant has not been reported in the literature in individuals affected with DICER1-related conditions. Algorithms developed to predict the effect of sequence changes on RNA splicing suggest that this variant may disrupt the consensus splice site. In summary, the available evidence is currently insufficient to determine the role of this variant in disease. Therefore, it has been classified as a Variant of Uncertain Significance.